The following is an entry in ClinVar:

NM_001128840.3(CACNA1D):c.304C>T (p.Pro102Ser)

Gene: CACNA1D (calcium voltage-gated channel subunit alpha1 D; plus strand). Cytogenetic location: 3p21.1.
Variant type: single nucleotide variant.
Coding change: c.304C>T on transcript NM_001128840.3 (MANE Select); coding-DNA position 304, C replaced by T.
Protein change: p.Pro102Ser; replaces proline 102 with serine.
Molecular consequence: missense variant.
Genome position (GRCh38, 1-based): chr3:53,497,388, C>T. VCF-style: chr3-53497388-C-T. GRCh37 (hg19) VCF-style: chr3-53531415-C-T.
Other names: c.304C>T, p.Pro102Ser (NM_000720.4, NM_001128839.3); short protein forms P102S.
Identifiers: ClinVar variation 3906564 (VCV003906564.1).

ClinVar aggregate classification (germline): Uncertain significance (1 of 4 stars; one submission).

Submission:

GeneDx
Classification: Uncertain significance. Last evaluated: 2024-12-17. Review status: criteria provided, single submitter. Criteria: GeneDx Variant Classification Process June 2021. Collection method: clinical testing. Allele origin: germline. Affected: yes.
Comment: Not observed at significant frequency in large population cohorts (gnomAD); In silico analysis supports that this missense variant has a deleterious effect on protein structure/function; Has not been previously published as pathogenic or benign to our knowledge